The following is an entry in ClinVar:

NM_006164.5(NFE2L2):c.403-1G>A

Gene: NFE2L2 (NFE2 like bZIP transcription factor 2; minus strand). Cytogenetic location: 2q31.2.
Variant type: single nucleotide variant.
Coding change: c.403-1G>A on transcript NM_006164.5 (MANE Select); the canonical splice acceptor site of the intron before coding-DNA position 403, G replaced by A.
Molecular consequence: splice acceptor variant. On other transcripts: intron variant (1).
Genome position (GRCh38, 1-based): chr2:177,232,584, C>T on the plus strand (G>A on the coding strand, the complement: NFE2L2 is on the minus strand). VCF-style: chr2-177232584-C-T. GRCh37 (hg19) VCF-style: chr2-178097312-C-T.
Other names: c.355-1G>A (NM_001313901.1, NM_001145412.3, NM_001313900.1); c.103-1G>A (NM_001313904.1); c.355-22G>A (NM_001145413.3); c.184-1G>A (NM_001313903.2); c.313-1G>A (NM_001313902.2).
Identifiers: ClinVar variation 2792116 (VCV002792116.3), dbSNP rs1392448304, ClinGen allele CA349377165.

ClinVar aggregate classification (germline): Uncertain significance (1 of 4 stars; one submission).

Allele frequency attached by ClinVar (database versions not stated): gnomAD exomes 0.00001.
gnomAD v4.1: 18 of 1,613,462 alleles (0.0011%); highest among the groups gnomAD compares: Non-Finnish European, 0.0015%; no homozygotes.

Submission:

Labcorp Genetics (formerly Invitae), Labcorp
Classification: Uncertain significance. Last evaluated: 2023-12-29. Review status: criteria provided, single submitter. Criteria: Invitae Variant Classification Sherloc (09022015). Collection method: clinical testing. Allele origin: germline.
Comment: This sequence change affects an acceptor splice site in intron 3 of the NFE2L2 gene. It is expected to disrupt RNA splicing. Variants that disrupt the donor or acceptor splice site typically lead to a loss of protein function (PMID: 16199547), however the current clinical and genetic evidence is not sufficient to establish whether loss-of-function variants in NFE2L2 cause disease. This variant is present in population databases (no rsID available, gnomAD 0.002%). This variant has not been reported in the literature in individuals affected with NFE2L2-related conditions. Algorithms developed to predict the effect of sequence changes on RNA splicing suggest that this variant may disrupt the consensus splice site. In summary, the available evidence is currently insufficient to determine the role of this variant in disease. Therefore, it has been classified as a Variant of Uncertain Significance.

Literature cited by the submitters: PubMed 16199547.